The following is an entry in ClinVar:

NM_000092.5(COL4A4):c.500G>A (p.Gly167Glu)

Gene: COL4A4 (collagen type IV alpha 4 chain; minus strand). Cytogenetic location: 2q36.3.
Variant type: single nucleotide variant.
Coding change: c.500G>A on transcript NM_000092.5 (MANE Select); coding-DNA position 500, G replaced by A.
Protein change: p.Gly167Glu; replaces glycine 167 with glutamic acid.
Molecular consequence: missense variant.
Genome position (GRCh38, 1-based): chr2:227,114,686, C>T on the plus strand (G>A on the coding strand, the complement: COL4A4 is on the minus strand). VCF-style: chr2-227114686-C-T. GRCh37 (hg19) VCF-style: chr2-227979402-C-T.
Other names: p.(Gly167Glu); short protein forms G167E.
Identifiers: ClinVar variation 3632630 (VCV003632630.3).

ClinVar aggregate classification (germline): Conflicting classifications of pathogenicity. Review status: criteria provided, conflicting classifications (1 of 4 stars). 2 submissions from 2 submitters: Likely pathogenic (1); Uncertain significance (1). Last evaluated 2026-05-27.

Conditions:
Autosomal dominant Alport syndrome (ATS3A). Also called: Alport syndrome dominant type; Renal failure and sensorineural hearing loss; ALPORT SYNDROME 3A, AUTOSOMAL DOMINANT. Identifiers: Orphanet 63, Orphanet 88918, MedGen C5882663, MONDO:0007086, OMIM 104200.

Submissions (2):

Centre de Génétique Humaine, Institut de Pathologie Et de Génétique
Classification: Likely pathogenic for Autosomal dominant Alport syndrome. Last evaluated: 2026-05-27. Review status: criteria provided, single submitter. Criteria: ACMG Guidelines, 2015. Collection method: clinical testing. Allele origin: germline. Inheritance: Autosomal dominant inheritance. Affected: yes. Observed: 2 variant alleles, 2 heterozygotes. Clinical features observed: Microscopic hematuria (HP:0002907), Mild albuminuria (HP:0033065), Stage 2 chronic kidney disease (HP:0012624). Segregation with disease not observed.
Comment: This missense variant involves a moderately conserved glycine located in a ‘Gly-X-Y’ motif in collagenous region, which is characteristic of the pathogenic variants identified in the COL4A4 gene (PM1,PP2). This variant is rare: absent in gnomAD v4.1.0 database (PM2). In silico analysis supports that this missense variant has a deleterious effect (PP3).

Labcorp Genetics (formerly Invitae), Labcorp
Classification: Uncertain significance. Last evaluated: 2024-07-29. Review status: criteria provided, single submitter. Criteria: Invitae Variant Classification Sherloc (09022015). Collection method: clinical testing. Allele origin: germline.
Comment: This sequence change replaces glycine, which is neutral and non-polar, with glutamic acid, which is acidic and polar, at codon 167 of the COL4A4 protein (p.Gly167Glu). This variant is not present in population databases (gnomAD no frequency). This variant has not been reported in the literature in individuals affected with COL4A4-related conditions. Advanced modeling of protein sequence and biophysical properties (such as structural, functional, and spatial information, amino acid conservation, physicochemical variation, residue mobility, and thermodynamic stability) performed at Invitae indicates that this missense variant is expected to disrupt COL4A4 protein function with a positive predictive value of 95%. In summary, the available evidence is currently insufficient to determine the role of this variant in disease. Therefore, it has been classified as a Variant of Uncertain Significance.